The following is an entry in ClinVar:

ClinVar aggregate classification (germline): Uncertain significance. Review status: criteria provided, multiple submitters, no conflicts (2 of 4 stars). 3 submissions from 3 submitters: Uncertain significance (3). Last evaluated 2023-10-01.

Conditions:
Retinal dystrophy. Also called: Inherited retinal dystrophy. Identifiers: Orphanet 71862, MedGen C0854723, MeSH D058499, MONDO:0019118, HP:0000556.

Allele frequency attached by ClinVar (database versions not stated): ExAC 0.00003; gnomAD exomes 0.00003.
gnomAD v4.1: 18 of 1,584,346 alleles (0.0011%); highest among the groups gnomAD compares: East Asian, 0.039%; no homozygotes.

Submissions (3):

Dept Of Ophthalmology, Nagoya University
Classification: Uncertain significance for Retinal dystrophy. Last evaluated: 2023-10-01. Review status: criteria provided, single submitter. Criteria: Submitter's publication. Collection method: research. Allele origin: germline. Affected: yes.

Labcorp Genetics (formerly Invitae), Labcorp
Classification: Uncertain significance. Last evaluated: 2022-06-07. Review status: criteria provided, single submitter. Criteria: Invitae Variant Classification Sherloc (09022015). Collection method: clinical testing. Allele origin: germline.
Comment: This sequence change replaces alanine, which is neutral and non-polar, with glutamic acid, which is acidic and polar, at codon 83 of the TULP1 protein (p.Ala83Glu). The frequency data for this variant in the population databases is considered unreliable, as metrics indicate poor data quality at this position in the gnomAD database. This variant has not been reported in the literature in individuals affected with TULP1-related conditions. Algorithms developed to predict the effect of missense changes on protein structure and function output the following: SIFT: "Not Available"; PolyPhen-2: "Benign"; Align-GVGD: "Not Available". The glutamic acid amino acid residue is found in multiple mammalian species, which suggests that this missense change does not adversely affect protein function. In summary, the available evidence is currently insufficient to determine the role of this variant in disease. Therefore, it has been classified as a Variant of Uncertain Significance.

Blueprint Genetics
Classification: Uncertain significance. Last evaluated: 2019-10-25. Review status: criteria provided, single submitter. Criteria: ACMG Guidelines, 2015. Collection method: clinical testing. Allele origin: germline.

NM_003322.6(TULP1):c.248C>A (p.Ala83Glu)

Gene: TULP1 (TUB like protein 1; minus strand). Cytogenetic location: 6p21.31.
Variant type: single nucleotide variant.
Coding change: c.248C>A on transcript NM_003322.6 (MANE Select); coding-DNA position 248, C replaced by A.
Protein change: p.Ala83Glu; replaces alanine 83 with glutamic acid.
Molecular consequence: missense variant. On other transcripts: intron variant (1).
Genome position (GRCh38, 1-based): chr6:35,511,749, G>T on the plus strand (C>A on the coding strand, the complement: TULP1 is on the minus strand). VCF-style: chr6-35511749-G-T. GRCh37 (hg19) VCF-style: chr6-35479526-G-T.
Other names: c.190+431C>A (NM_001289395.2); short protein forms A83E.
Identifiers: ClinVar variation 1945278 (VCV001945278.4), dbSNP rs765249939, ClinGen allele CA3772981.